The following is an entry in ClinVar:

ClinVar aggregate classification (germline): Likely pathogenic (1 of 4 stars; one submission).

Conditions:
Dilated cardiomyopathy 1G (CMD1G). Identifiers: Orphanet 154, MedGen C1858763, MONDO:0011400, OMIM 604145.
Autosomal recessive limb-girdle muscular dystrophy type 2J (LGMDR10). Also called: Limb-girdle muscular dystrophy, type 2J; MUSCULAR DYSTROPHY, LIMB-GIRDLE, AUTOSOMAL RECESSIVE 10. Identifiers: Orphanet 140922, MedGen C1837342, MONDO:0012127, OMIM 608807.

Submission:

Labcorp Genetics (formerly Invitae), Labcorp
Classification: Likely pathogenic for Dilated cardiomyopathy 1G; Autosomal recessive limb-girdle muscular dystrophy type 2J. Last evaluated: 2022-10-26. Review status: criteria provided, single submitter. Criteria: Invitae Variant Classification Sherloc (09022015). Collection method: clinical testing. Allele origin: germline.
Comment: In summary, the currently available evidence indicates that the variant is pathogenic, but additional data are needed to prove that conclusively. Therefore, this variant has been classified as Likely Pathogenic. This variant has not been reported in the literature in individuals affected with TTN-related conditions. This sequence change creates a premature translational stop signal (p.Pro16078Hisfs*10) in the TTN gene. While this is not anticipated to result in nonsense mediated decay, it is expected to create a truncated TTN protein. This variant is not present in population databases (gnomAD no frequency). This variant is located in the A band of TTN (PMID: 25589632). Truncating variants in this region are significantly overrepresented in patients affected with dilated cardiomyopathy (PMID: 25589632). Truncating variants in this region have also been reported in individuals affected with autosomal recessive centronuclear myopathy (PMID: 23975875).

Literature cited by the submitters: PubMed 25589632; PubMed 23975875.

NM_001267550.2(TTN):c.48233del (p.Pro16078fs)

Genes: TTN-AS1 (TTN antisense RNA 1; plus strand), TTN (titin; minus strand). Cytogenetic location: 2q31.2.
Variant type: Deletion.
Coding change: c.48233del on transcript NM_001267550.2 (MANE Select); coding-DNA position 48233, one base deleted (C; older notation c.48233delC).
Protein change: p.Pro16078fs; shifts the reading frame from proline 16078.
Molecular consequence: frameshift variant.
Genome position (GRCh38, 1-based): chr2:178,616,558, G deleted on the plus strand (C on the coding strand, the reverse complement: TTN is on the minus strand); the first of 2 consecutive G bases (chr2:178,616,558-178,616,559); deleting either gives the same sequence. VCF-style (leftmost placement, unchanged base first): chr2-178616557-TG-T. GRCh37 (hg19) VCF-style: chr2-179481284-TG-T.
Other names: c.43310del, p.Pro14437fs (NM_001256850.1); c.21038del, p.Pro7013fs (NM_003319.4); c.40529del, p.Pro13510fs (NM_133378.4); c.21413del, p.Pro7138fs (NM_133432.3); c.21614del, p.Pro7205fs (NM_133437.4); short protein forms P7013fs, P7205fs, P16078fs, P7138fs, P13510fs, P14437fs.
Identifiers: ClinVar variation 2940999 (VCV002940999.3), dbSNP rs2470806120, ClinGen allele CA2740096152.